The following is an entry in ClinVar:

NM_017780.4(CHD7):c.8615G>C (p.Gly2872Ala)

Gene: CHD7 (chromodomain helicase DNA binding protein 7; plus strand). Cytogenetic location: 8q12.2.
Variant type: single nucleotide variant.
Coding change: c.8615G>C on transcript NM_017780.4 (MANE Select); coding-DNA position 8615, G replaced by C.
Protein change: p.Gly2872Ala; replaces glycine 2872 with alanine.
Molecular consequence: missense variant.
Genome position (GRCh38, 1-based): chr8:60,865,554, G>C. VCF-style: chr8-60865554-G-C. GRCh37 (hg19) VCF-style: chr8-61778113-G-C.
Other names: c.2468G>C, p.Gly823Ala (NM_001316690.1); short protein forms G2872A, G823A.
Identifiers: ClinVar variation 2832956 (VCV002832956.3), dbSNP rs2488149927, ClinGen allele CA371310771.
Genomic context (GRCh38, chr8:60,865,554, plus strand): 5'-ACGAGAACAAAGACTCTGAGAAAAGCACAGATGCTGTTTCGGCTGCTGACTCTGCGAATG[G>C]ATCTGTTGGTGCTGCTACTGCCCCGGCTGGATTGCCCTCAAACCCGCTAGCCTTCAACCC-3'
Protein context (NP_060250.2, residues 2862-2882): DAVSAADSAN[Gly2872Ala]SVGAATAPAG

ClinVar aggregate classification (germline): Uncertain significance (1 of 4 stars; one submission).

Conditions:
CHARGE syndrome (CHARGE). Also called: Hittner Hirsch Kreh syndrome; CHARGE ASSOCIATION--COLOBOMA, HEART ANOMALY, CHOANAL ATRESIA, RETARDATION, GENITAL AND EAR ANOMALIES; Coloboma, heart anomaly, choanal atresia, retardation, genital and ear anomalies; CHARGE association; Hall-Hittner syndrome. Identifiers: Orphanet 138, MedGen C0265354, MONDO:0008965.

Submission:

Labcorp Genetics (formerly Invitae), Labcorp
Classification: Uncertain significance for CHARGE syndrome. Last evaluated: 2023-03-01. Review status: criteria provided, single submitter. Criteria: Invitae Variant Classification Sherloc (09022015). Collection method: clinical testing. Allele origin: germline.
Comment: In summary, the available evidence is currently insufficient to determine the role of this variant in disease. Therefore, it has been classified as a Variant of Uncertain Significance. Advanced modeling of protein sequence and biophysical properties (such as structural, functional, and spatial information, amino acid conservation, physicochemical variation, residue mobility, and thermodynamic stability) performed at Invitae indicates that this missense variant is not expected to disrupt CHD7 protein function. This variant has not been reported in the literature in individuals affected with CHD7-related conditions. This variant is not present in population databases (gnomAD no frequency). This sequence change replaces glycine, which is neutral and non-polar, with alanine, which is neutral and non-polar, at codon 2872 of the CHD7 protein (p.Gly2872Ala).